The following is an entry in ClinVar:

NM_014806.5(RUSC2):c.3235+2T>A

Gene: RUSC2 (RUN and SH3 domain containing 2; plus strand). Cytogenetic location: 9p13.3.
Variant type: single nucleotide variant.
Coding change: c.3235+2T>A on transcript NM_014806.5 (MANE Select); the canonical splice donor site of the intron after coding-DNA position 3235, T replaced by A.
Molecular consequence: splice donor variant.
Genome position (GRCh38, 1-based): chr9:35,558,373, T>A. VCF-style: chr9-35558373-T-A. GRCh37 (hg19) VCF-style: chr9-35558370-T-A.
Other names: c.601+2T>A (NM_001330740.2); c.3235+2T>A (NM_001135999.2).
Identifiers: ClinVar variation 3359114 (VCV003359114.3).

ClinVar aggregate classification (germline): Uncertain significance (1 of 4 stars; one submission).

Conditions:
Intellectual developmental disorder, autosomal recessive 61. Also called: ALWADEI SYNDROME; Intellectual disability, autosomal recessive 61; MENTAL RETARDATION, AUTOSOMAL RECESSIVE 61. Identifiers: MedGen C4540424, MONDO:0030915, OMIM 617773.

Submission:

Institute of Human Genetics, University of Leipzig Medical Center
Classification: Uncertain significance for Intellectual developmental disorder, autosomal recessive 61. Last evaluated: 2026-02-11. Review status: criteria provided, single submitter. Criteria: ACMG Guidelines, 2015. Collection method: clinical testing. Allele origin: paternal. Inheritance: Autosomal recessive inheritance. Affected: yes.
Comment: Criteria applied: PM4, PM2; RNA analysis revealed two abnormal transcript both with in-frame effect: r.3194_3235del, p.(Lys1065_Gly1079del) and r.3235_3236ins[3235+1_3236_1], p.(Lys1065_Pro1066insXaa[30])